The following is an entry in ClinVar:

ClinVar aggregate classification (germline): Uncertain significance. Review status: criteria provided, multiple submitters, no conflicts (2 of 4 stars). 2 submissions from 2 submitters: Uncertain significance (2). Last evaluated 2024-12-02.

Conditions:
Neurodevelopmental disorder with or without hyperkinetic movements and seizures, autosomal dominant. Also called: Intellectual disability, autosomal dominant 8. Identifiers: MedGen C3280282, MONDO:0013655, OMIM 614254.

gnomAD v4.1: 1 of 1,612,636 alleles (0.000062%); no homozygotes.

Submissions (2):

Labcorp Genetics (formerly Invitae), Labcorp
Classification: Uncertain significance for Neurodevelopmental disorder with or without hyperkinetic movements and seizures, autosomal dominant. Last evaluated: 2024-12-02. Review status: criteria provided, single submitter. Criteria: Invitae Variant Classification Sherloc (09022015). Collection method: clinical testing. Allele origin: germline.
Comment: This sequence change replaces tyrosine, which is neutral and polar, with histidine, which is basic and polar, at codon 456 of the GRIN1 protein (p.Tyr456His). This variant is not present in population databases (gnomAD no frequency). This variant has not been reported in the literature in individuals affected with GRIN1-related conditions. ClinVar contains an entry for this variant (Variation ID: 1703147). Invitae Evidence Modeling of protein sequence and biophysical properties (such as structural, functional, and spatial information, amino acid conservation, physicochemical variation, residue mobility, and thermodynamic stability) has been performed for this missense variant. However, the output from this modeling did not meet the statistical confidence thresholds required to predict the impact of this variant on GRIN1 protein function. In summary, the available evidence is currently insufficient to determine the role of this variant in disease. Therefore, it has been classified as a Variant of Uncertain Significance.

Greenwood Genetic Center Diagnostic Laboratories, Greenwood Genetic Center
Classification: Uncertain significance. Last evaluated: 2022-04-19. Review status: criteria provided, single submitter. Criteria: ACMG Guidelines, 2015. Collection method: clinical testing. Allele origin: germline. Affected: yes.
Comment: PM2 PP2

NM_007327.4(GRIN1):c.1366T>C (p.Tyr456His)

Gene: GRIN1 (glutamate ionotropic receptor NMDA type subunit 1; plus strand). Cytogenetic location: 9q34.3.
Variant type: single nucleotide variant.
Coding change: c.1366T>C on transcript NM_007327.4 (MANE Select); coding-DNA position 1366, T replaced by C.
Protein change: p.Tyr456His; replaces tyrosine 456 with histidine.
Molecular consequence: missense variant.
Genome position (GRCh38, 1-based): chr9:137,161,315, T>C. VCF-style: chr9-137161315-T-C. GRCh37 (hg19) VCF-style: chr9-140055767-T-C.
Other names: c.1366T>C, p.Tyr456His (NM_000832.7, NM_021569.4); c.1429T>C, p.Tyr477His (NM_001185090.2, NM_001185091.2); short protein forms Y456H, Y477H.
Identifiers: ClinVar variation 1703147 (VCV001703147.5), dbSNP rs2538626520, ClinGen allele CA375716479.